The following is an entry in ClinVar:

ClinVar aggregate classification (germline): Conflicting classifications of pathogenicity. Review status: criteria provided, conflicting classifications (1 of 4 stars). 4 submissions from 4 submitters: Uncertain significance (1); Likely benign (2). 1 of the submissions does not count toward it. Last evaluated 2023-10-12.

Conditions:
Hereditary cancer-predisposing syndrome. Also called: Hereditary Cancer Syndrome; Neoplastic Syndromes, Hereditary; Hereditary neoplastic syndrome; Tumor predisposition. Identifiers: Orphanet 140162, MedGen C0027672, MeSH D009386, MONDO:0015356.
Hereditary breast ovarian cancer syndrome. Also called: Hereditary breast and ovarian cancer syndrome (HBOC); Breast and ovarian cancer; Hereditary breast and ovarian cancer syndrome; Hereditary breast and ovarian cancer; BRCA1- and BRCA2-Associated Hereditary Breast and Ovarian Cancer; Hereditary breast and/or ovarian cancer syndrome. Identifiers: Orphanet 145, MedGen C0677776, MeSH D061325, MONDO:0003582. Disease mechanism: loss of function.
Breast-ovarian cancer, familial, susceptibility to, 1 (BROVCA1). Also called: BRCA1 Hereditary Breast and Ovarian Cancer; OVARIAN CANCER, SUSCEPTIBILITY TO. Identifiers: Orphanet 145, MedGen C2676676, MONDO:0011450, OMIM 604370. Disease mechanism: loss of function.

Submissions (4):

Ambry Genetics
Classification: Likely benign for Hereditary cancer-predisposing syndrome. Last evaluated: 2023-10-12. Review status: criteria provided, single submitter. Criteria: Ambry Variant Classification Scheme 2023. Collection method: clinical testing. Allele origin: germline.

Labcorp Genetics (formerly Invitae), Labcorp
Classification: Uncertain significance for Hereditary breast ovarian cancer syndrome. Last evaluated: 2023-10-04. Review status: criteria provided, single submitter. Criteria: Invitae Variant Classification Sherloc (09022015). Collection method: clinical testing. Allele origin: germline.
Comment: This sequence change replaces valine, which is neutral and non-polar, with alanine, which is neutral and non-polar, at codon 487 of the BRCA1 protein (p.Val487Ala). This variant is not present in population databases (gnomAD no frequency). This variant has not been reported in the literature in individuals affected with BRCA1-related conditions. ClinVar contains an entry for this variant (Variation ID: 252865). Advanced modeling of protein sequence and biophysical properties (such as structural, functional, and spatial information, amino acid conservation, physicochemical variation, residue mobility, and thermodynamic stability) performed at Invitae indicates that this missense variant is not expected to disrupt BRCA1 protein function. In summary, the available evidence is currently insufficient to determine the role of this variant in disease. Therefore, it has been classified as a Variant of Uncertain Significance.

University of Washington Department of Laboratory Medicine, University of Washington
Classification: Likely benign for Hereditary cancer-predisposing syndrome. Last evaluated: 2023-03-23. Review status: criteria provided, single submitter. Criteria: Dines et al. (Genet Med. 2020). Collection method: curation. Allele origin: germline.
Comment: Missense variant in a coldspot region where missense variants are very unlikely to be pathogenic (PMID:31911673).

BRCA1 coldspot (exon 11 using historical exon numbering). Reclassification based on statistical prior probability

Sharing Clinical Reports Project (SCRP)
Classification: Uncertain significance for Breast-ovarian cancer, familial 1. Last evaluated: 2009-04-27. Review status: no assertion criteria provided. Collection method: clinical testing. Allele origin: germline. Not counted in ClinVar's aggregate classification.

NM_007294.4(BRCA1):c.1460T>C (p.Val487Ala)

Gene: BRCA1 (BRCA1 DNA repair associated; minus strand). Cytogenetic location: 17q21.31.
Variant type: single nucleotide variant.
Coding change: c.1460T>C on transcript NM_007294.4 (MANE Select); coding-DNA position 1460, T replaced by C.
Protein change: p.Val487Ala; replaces valine 487 with alanine.
Molecular consequence: missense variant. On other transcripts: intron variant (137).
Genome position (GRCh38, 1-based): chr17:43,094,071, A>G on the plus strand (T>C on the coding strand, the complement: BRCA1 is on the minus strand). VCF-style: chr17-43094071-A-G. GRCh37 (hg19) VCF-style: chr17-41246088-A-G.
Other names: 1579T>C; c.1247T>C, p.Val416Ala (NM_001407571.1, NM_001407915.1, NM_001407853.1 and 9 more transcripts); c.1460T>C, p.Val487Ala (NM_001407581.1, NM_001407582.1, NM_001407583.1 and 30 more transcripts); c.1457T>C, p.Val486Ala (NM_001407587.1, NM_001407590.1, NM_001407591.1 and 22 more transcripts); c.1334T>C, p.Val445Ala (NM_001407649.1, NM_001407670.1, NM_001407671.1 and 11 more transcripts); c.1382T>C, p.Val461Ala (NM_001407653.1, NM_001407654.1, NM_001407655.1 and 4 more transcripts); c.1379T>C, p.Val460Ala (NM_001407659.1, NM_001407660.1, NM_001407661.1 and 1 more transcripts); c.1337T>C, p.Val446Ala (NM_001407674.1, NM_001407675.1, NM_001407676.1 and 19 more transcripts); and 41 more; short protein forms V487A, V440A, V376A, V416A, V486A, V191A, V398A, V446A.
Identifiers: ClinVar variation 252865 (VCV000252865.9), dbSNP rs748812609, ClinGen allele CA10586095.